The following is an entry in ClinVar:

NM_000426.4(LAMA2):c.5380A>G (p.Thr1794Ala)

Gene: LAMA2 (laminin subunit alpha 2; plus strand). Cytogenetic location: 6q22.33.
Variant type: single nucleotide variant.
Coding change: c.5380A>G on transcript NM_000426.4 (MANE Select); coding-DNA position 5380, A replaced by G.
Protein change: p.Thr1794Ala; replaces threonine 1794 with alanine.
Molecular consequence: missense variant.
Genome position (GRCh38, 1-based): chr6:129,393,190, A>G. VCF-style: chr6-129393190-A-G. GRCh37 (hg19) VCF-style: chr6-129714335-A-G.
Other names: c.5380A>G, p.Thr1794Ala (NM_001079823.2); short protein forms T1794A.
Identifiers: ClinVar variation 908030 (VCV000908030.9), dbSNP rs1360082763, ClinGen allele CA365614873.
Genomic context (GRCh38, chr6:129,393,190, plus strand): 5'-GAAAAACTGGCTGACTACAAAAACAAAGTTGATGATGCTTGGGACCTTTTGAGAGAAGCC[A>G]CAGATAAAATCAGAGAAGCTAATCGCCTATTTGCAGTAAATCAGAAAAACATGACTGCAT-3'
Protein context (NP_000417.3, residues 1784-1804): DDAWDLLREA[Thr1794Ala]DKIREANRLF

ClinVar aggregate classification (germline): Uncertain significance. Review status: criteria provided, multiple submitters, no conflicts (2 of 4 stars). 2 submissions from 2 submitters: Uncertain significance (2). Last evaluated 2022-06-03.

Conditions:
LAMA2-related muscular dystrophy (LAMA2-RD). Also called: Laminin alpha 2-related dystrophy. Identifiers: MedGen C5679788, MONDO:0100228.
Congenital muscular dystrophy due to partial LAMA2 deficiency. Identifiers: MedGen C1842898.

Allele frequency attached by ClinVar (database versions not stated): gnomAD 0.00001; gnomAD exomes 0.00001; TOPMed 0.00001.
gnomAD v4.1: 9 of 1,614,012 alleles (0.00056%); highest among the groups gnomAD compares: Non-Finnish European, 0.00068%; no homozygotes.

Submissions (2):

Labcorp Genetics (formerly Invitae), Labcorp
Classification: Uncertain significance for LAMA2-related muscular dystrophy. Last evaluated: 2022-06-03. Review status: criteria provided, single submitter. Criteria: Invitae Variant Classification Sherloc (09022015). Collection method: clinical testing. Allele origin: germline.
Comment: This sequence change replaces threonine, which is neutral and polar, with alanine, which is neutral and non-polar, at codon 1794 of the LAMA2 protein (p.Thr1794Ala). This variant is not present in population databases (gnomAD no frequency). This variant has not been reported in the literature in individuals affected with LAMA2-related conditions. ClinVar contains an entry for this variant (Variation ID: 908030). Advanced modeling of protein sequence and biophysical properties (such as structural, functional, and spatial information, amino acid conservation, physicochemical variation, residue mobility, and thermodynamic stability) performed at Invitae indicates that this missense variant is not expected to disrupt LAMA2 protein function. In summary, the available evidence is currently insufficient to determine the role of this variant in disease. Therefore, it has been classified as a Variant of Uncertain Significance.

Illumina Laboratory Services, Illumina
Classification: Uncertain significance for Congenital muscular dystrophy due to partial LAMA2 deficiency. Last evaluated: 2018-01-13. Review status: criteria provided, single submitter. Criteria: ICSL Variant Classification Criteria 13 December 2019. Collection method: clinical testing. Allele origin: germline.